The following is an entry in ClinVar:

ClinVar aggregate classification (germline): Pathogenic (1 of 4 stars; one submission).

Submission:

ARUP Laboratories, Molecular Genetics and Genomics, ARUP Laboratories
Classification: Pathogenic. Last evaluated: 2017-08-24. Review status: criteria provided, single submitter. Criteria: ARUP Molecular Germline Variant Investigation Process. Collection method: clinical testing. Allele origin: germline.
Comment: The ENG c.97C>T; p.Gln33Ter variant has been reported in the literature in individuals with hereditary hemorrhagic telangiectasia (Lenato 2006, Olivieri 2007), and the variant is absent from general population databases (Exome Variant Server, Genome Aggregation Database). This variant induces an early termination codon and is predicted to result in a truncated protein or absent transcript. Taken together, the p.Gln33Ter variant is considered pathogenic. References: Lenato GM et al. DHPLC-based mutation analysis of ENG and ALK-1 genes in HHT Italian population. Hum Mutat. 2006 Feb;27(2):213-4. Olivieri C et al. Analysis of ENG and ACVRL1 genes in 137 HHT Italian families identifies 76 different mutations (24 novel). Comparison with other European studies. J Hum Genet. 2007;52(10):820-9.

NM_001114753.3(ENG):c.97C>T (p.Gln33Ter)

Gene: ENG (endoglin; minus strand). Cytogenetic location: 9q34.11.
Variant type: single nucleotide variant.
Coding change: c.97C>T on transcript NM_001114753.3 (MANE Select); coding-DNA position 97, C replaced by T.
Protein change: p.Gln33Ter; replaces glutamine 33 with a stop codon.
Molecular consequence: nonsense. On other transcripts: 5 prime UTR variant (1).
Genome position (GRCh38, 1-based): chr9:127,843,216, G>A on the plus strand (C>T on the coding strand, the complement: ENG is on the minus strand). VCF-style: chr9-127843216-G-A. GRCh37 (hg19) VCF-style: chr9-130605495-G-A.
Other names: c.97C>T, p.Gln33Ter (NM_000118.4, NM_001406715.1); c.-450C>T (NM_001278138.2); short protein forms Q33*.
Identifiers: ClinVar variation 618086 (VCV000618086.9), dbSNP rs1564462827, ClinGen allele CA374989154.